The following is an entry in ClinVar:

ClinVar aggregate classification (germline): Uncertain significance (1 of 4 stars; one submission).

Conditions:
Cardiovascular phenotype. Identifiers: MedGen CN230736.

Allele frequency attached by ClinVar (database versions not stated): TOPMed below 0.00001.

Submission:

Ambry Genetics
Classification: Uncertain significance for Cardiovascular phenotype. Last evaluated: 2023-04-09. Review status: criteria provided, single submitter. Criteria: Ambry Variant Classification Scheme 2023. Collection method: clinical testing. Allele origin: germline.
Comment: The p.A286V variant (also known as c.857C>T), located in coding exon 9 of the CACNB2 gene, results from a C to T substitution at nucleotide position 857. The alanine at codon 286 is replaced by valine, an amino acid with similar properties. This amino acid position is conserved. In addition, the in silico prediction for this alteration is inconclusive. Since supporting evidence is limited at this time, the clinical significance of this alteration remains unclear.

NM_201596.3(CACNB2):c.1019C>T (p.Ala340Val)

Gene: CACNB2 (calcium voltage-gated channel auxiliary subunit beta 2; plus strand). Cytogenetic location: 10p12.31.
Variant type: single nucleotide variant.
Coding change: c.1019C>T on transcript NM_201596.3 (MANE Select); coding-DNA position 1019, C replaced by T.
Protein change: p.Ala340Val; replaces alanine 340 with valine.
Molecular consequence: missense variant.
Genome position (GRCh38, 1-based): chr10:18,527,662, C>T. VCF-style: chr10-18527662-C-T. GRCh37 (hg19) VCF-style: chr10-18816591-C-T.
Other names: c.854C>T, p.Ala285Val (NM_000724.4); c.821C>T, p.Ala274Val (NM_001167945.2); c.740C>T, p.Ala247Val (NM_001330060.2); c.761C>T, p.Ala254Val (NM_001410882.1); c.875C>T, p.Ala292Val (NM_201570.3); c.935C>T, p.Ala312Val (NM_201571.4); c.863C>T, p.Ala288Val (NM_201572.4); c.857C>T, p.Ala286Val (NM_201590.3); and 2 more; short protein forms A254V, A274V, A285V, A286V, A288V, A312V, A316V, A340V.
Identifiers: ClinVar variation 2562818 (VCV002562818.2), dbSNP rs2052613698, ClinGen allele CA376065314.
Genomic context (GRCh38, chr10:18,527,662, plus strand): 5'-GGGTCACCGCTGACATCTCGCTTGCCAAACGCTCGGTATTAAACAATCCCAGTAAGCACG[C>T]AATAATAGAAAGATCCAACACAAGGTCAAGCTTAGGTAAGTCTGTGCAATGAGCTTAAGC-3'
Protein context (NP_963890.2, residues 330-350): RSVLNNPSKH[Ala340Val]IIERSNTRSS